The following is an entry in ClinVar:

NM_000199.5(SGSH):c.841G>A (p.Gly281Ser)

Gene: SGSH (N-sulfoglucosamine sulfohydrolase; minus strand). Cytogenetic location: 17q25.3.
Variant type: single nucleotide variant.
Coding change: c.841G>A on transcript NM_000199.5 (MANE Select); coding-DNA position 841, G replaced by A.
Protein change: p.Gly281Ser; replaces glycine 281 with serine.
Molecular consequence: missense variant. On other transcripts: non-coding transcript variant (1).
Genome position (GRCh38, 1-based): chr17:80,212,179, C>T on the plus strand (G>A on the coding strand, the complement: SGSH is on the minus strand). VCF-style: chr17-80212179-C-T. GRCh37 (hg19) VCF-style: chr17-78185978-C-T.
Other names: p.Gly281Ser; c.841G>A, p.Gly281Ser (NM_001352921.3, NM_001352922.2); short protein forms G281S.
Identifiers: ClinVar variation 2201900 (VCV002201900.3), dbSNP rs541222703, ClinGen allele CA8817765.
Genomic context (GRCh38, chr17:80,212,179, plus strand): 5'-GCTCCGGGGATGACACCAGTAAGGGTTCAGCAGTGCCCGGCCAGTACAGGTTGGTCCTGC[C>T]GCTGGGGAAGGGGATCCCGTTGTCGGACGTGAAGATCACCAGTGTGTCGTTCAGGACACC-3'
Protein context (NP_000190.1, residues 271-291): TSDNGIPFPS[Gly281Ser]RTNLYWPGTA

ClinVar aggregate classification (germline): Uncertain significance. Review status: criteria provided, multiple submitters, no conflicts (2 of 4 stars). 2 submissions from 2 submitters: Uncertain significance (2). Last evaluated 2025-01-13.

Conditions:
Mucopolysaccharidosis, MPS-III-A (MPS3A). Also called: HEPARAN SULFATE SULFATASE DEFICIENCY; SANFILIPPO SYNDROME A; SULFAMIDASE DEFICIENCY; MPS III A; MUCOPOLYSACCHARIDOSIS, TYPE IIIA, ATTENUATED; Mucopolysaccharidosis type IIIA (Sanfilippo A). Identifiers: Orphanet 581, Orphanet 79269, MedGen C0086647, MONDO:0009655, OMIM 252900.

Allele frequency attached by ClinVar (database versions not stated): ExAC 0.00003; 1000 Genomes Project 0.00020; 1000 Genomes Project 30x 0.00016.
gnomAD v4.1: 44 of 1,613,550 alleles (0.0027%); highest among the groups gnomAD compares: South Asian, 0.0088%; no homozygotes.

Submissions (2):

Labcorp Genetics (formerly Invitae), Labcorp
Classification: Uncertain significance for Mucopolysaccharidosis, MPS-III-A. Last evaluated: 2025-01-13. Review status: criteria provided, single submitter. Criteria: Invitae Variant Classification Sherloc (09022015). Collection method: clinical testing. Allele origin: germline.
Comment: This sequence change replaces glycine, which is neutral and non-polar, with serine, which is neutral and polar, at codon 281 of the SGSH protein (p.Gly281Ser). The frequency data for this variant in the population databases is considered unreliable, as metrics indicate poor data quality at this position in the gnomAD database. This variant has not been reported in the literature in individuals affected with SGSH-related conditions. ClinVar contains an entry for this variant (Variation ID: 2201900). Invitae Evidence Modeling of protein sequence and biophysical properties (such as structural, functional, and spatial information, amino acid conservation, physicochemical variation, residue mobility, and thermodynamic stability) has been performed for this missense variant. However, the output from this modeling did not meet the statistical confidence thresholds required to predict the impact of this variant on SGSH protein function. In summary, the available evidence is currently insufficient to determine the role of this variant in disease. Therefore, it has been classified as a Variant of Uncertain Significance.

Mayo Clinic Laboratories, Mayo Clinic
Classification: Uncertain significance. Last evaluated: 2024-10-29. Review status: criteria provided, single submitter. Criteria: ACMG Guidelines, 2015. Collection method: clinical testing. Allele origin: germline. Observed: 1 variant allele.
Comment: PP3